The following is an entry in ClinVar:

ClinVar aggregate classification (germline): Uncertain significance (1 of 4 stars; one submission).

gnomAD v4.1: 1 of 1,612,932 alleles (0.000062%); highest among the groups gnomAD compares: Non-Finnish European, 0.000085%; no homozygotes.

Submission:

CeGaT Center for Human Genetics Tuebingen
Classification: Uncertain significance. Last evaluated: 2025-08-01. Review status: criteria provided, single submitter. Criteria: CeGaT Center For Human Genetics Tuebingen Variant Classification Criteria Version 2. Collection method: clinical testing. Allele origin: germline. Affected: yes. Observed: 1 variant allele.
Comment: TTN: PM2, PVS1:Moderate

NM_001267550.2(TTN):c.59035+1G>T

Genes: TTN (titin; minus strand), TTN-AS1 (TTN antisense RNA 1; plus strand). Cytogenetic location: 2q31.2.
Variant type: single nucleotide variant.
Coding change: c.59035+1G>T on transcript NM_001267550.2 (MANE Select); the canonical splice donor site of the intron after coding-DNA position 59035, G replaced by T.
Molecular consequence: splice donor variant.
Genome position (GRCh38, 1-based): chr2:178,593,172, C>A on the plus strand (G>T on the coding strand, the complement: TTN is on the minus strand). VCF-style: chr2-178593172-C-A. GRCh37 (hg19) VCF-style: chr2-179457899-C-A.
Other names: c.31840+1G>T (NM_003319.4); c.32416+1G>T (NM_133437.4); c.32215+1G>T (NM_133432.3); c.51331+1G>T (NM_133378.4); c.54112+1G>T (NM_001256850.1).
Identifiers: ClinVar variation 4085829 (VCV004085829.8).
Genomic context (GRCh38, chr2:178,593,172, plus strand): 5'-GCATATAGCTGAAAACAAAGTTAGATAACATGAAAACTGAATAAATCCATTAATACTATA[C>A]CAATTGGATCTTTAGCAAAGACTGGTTTGGATGGTGGGCTTGGATCTCCAATACCAATTT-3'